The following is an entry in ClinVar:

ClinVar aggregate classification (germline): Likely benign (0 of 4 stars; one submission).

Conditions:
TECR-related disorder. Also called: TECR-related condition.

Allele frequency attached by ClinVar (database versions not stated): TOPMed 0.00002; gnomAD 0.00003; ExAC 0.00015.
gnomAD v4.1: 103 of 1,613,888 alleles (0.0064%); highest among the groups gnomAD compares: Middle Eastern, 0.13%; 1 homozygote.

Submission:

PreventionGenetics, part of Exact Sciences
Classification: Likely benign for TECR-related condition. Last evaluated: 2020-02-26. Review status: no assertion criteria provided. Collection method: clinical testing. Allele origin: germline.
Comment: This variant is classified as likely benign based on ACMG/AMP sequence variant interpretation guidelines (Richards et al. 2015 PMID: 25741868, with internal and published modifications).

NM_138501.6(TECR):c.67-5C>T

Gene: TECR (trans-2,3-enoyl-CoA reductase; plus strand). Cytogenetic location: 19p13.12.
Variant type: single nucleotide variant.
Coding change: c.67-5C>T on transcript NM_138501.6 (MANE Select); 5 bases into the intron before coding-DNA position 67, C replaced by T.
Molecular consequence: intron variant.
Genome position (GRCh38, 1-based): chr19:14,563,201, C>T. VCF-style: chr19-14563201-C-T. GRCh37 (hg19) VCF-style: chr19-14674013-C-T.
Other names: c.112-5C>T (NM_001321170.1).
Identifiers: ClinVar variation 3051115 (VCV003051115.2), dbSNP rs776703090, ClinGen allele CA9254999.